The following is an entry in ClinVar:

NM_024685.4(BBS10):c.343A>G (p.Thr115Ala)

Gene: BBS10 (Bardet-Biedl syndrome 10; minus strand). Cytogenetic location: 12q21.2.
Variant type: single nucleotide variant.
Coding change: c.343A>G on transcript NM_024685.4 (MANE Select); coding-DNA position 343, A replaced by G.
Protein change: p.Thr115Ala; replaces threonine 115 with alanine.
Molecular consequence: missense variant.
Genome position (GRCh38, 1-based): chr12:76,347,642, T>C on the plus strand (A>G on the coding strand, the complement: BBS10 is on the minus strand). VCF-style: chr12-76347642-T-C. GRCh37 (hg19) VCF-style: chr12-76741422-T-C.
Other names: c.343A>G (NM_024685.3); short protein forms T115A.
Identifiers: ClinVar variation 1442725 (VCV001442725.5), dbSNP rs147432159, ClinGen allele CA6694367.
Genomic context (GRCh38, chr12:76,347,642, plus strand): 5'-TTAGGAGAGCCTGGGAAATAAATTTCCACCGAGAACAATTTTTCCAATGCCTTCCATGGG[T>C]TTGAATGTTTTCACACATCAAAGGATCCTTTTCTCTGTCTGTGATTGCATGAAGTCCTCT-3'
Protein context (NP_078961.3, residues 105-125): KDPLMCENIQ[Thr115Ala]HGRHWKNCSR

ClinVar aggregate classification (germline): Uncertain significance. Review status: criteria provided, multiple submitters, no conflicts (2 of 4 stars). 2 submissions from 2 submitters: Uncertain significance (2). Last evaluated 2025-01-13.

Conditions:
BBS10-related disorder. Also called: BBS10-related condition.
Bardet-Biedl syndrome (BBS). Identifiers: Orphanet 110, MedGen C0752166, MONDO:0015229.

Allele frequency attached by ClinVar (database versions not stated): gnomAD 0.00001 and 0.00003; ExAC 0.00002; TOPMed 0.00003; 1000 Genomes Project 30x 0.00031; 1000 Genomes Project 0.00040.

Submissions (2):

PreventionGenetics, part of Exact Sciences
Classification: Uncertain significance for BBS10-related condition. Last evaluated: 2025-01-13. Review status: criteria provided, single submitter. Criteria: ACMG Guidelines, 2015. Collection method: clinical testing. Allele origin: germline.
Comment: The BBS10 c.343A>G variant is predicted to result in the amino acid substitution p.Thr115Ala. To our knowledge, this variant has not been reported in the literature. This variant is reported in 0.012% of alleles in individuals of African descent in gnomAD. At this time, the clinical significance of this variant is uncertain due to the absence of conclusive functional and genetic evidence.

Labcorp Genetics (formerly Invitae), Labcorp
Classification: Uncertain significance for Bardet-Biedl syndrome. Last evaluated: 2024-10-21. Review status: criteria provided, single submitter. Criteria: Invitae Variant Classification Sherloc (09022015). Collection method: clinical testing. Allele origin: germline.
Comment: This sequence change replaces threonine, which is neutral and polar, with alanine, which is neutral and non-polar, at codon 115 of the BBS10 protein (p.Thr115Ala). This variant is present in population databases (rs147432159, gnomAD 0.01%). This variant has not been reported in the literature in individuals affected with BBS10-related conditions. ClinVar contains an entry for this variant (Variation ID: 1442725). Invitae Evidence Modeling of protein sequence and biophysical properties (such as structural, functional, and spatial information, amino acid conservation, physicochemical variation, residue mobility, and thermodynamic stability) indicates that this missense variant is not expected to disrupt BBS10 protein function with a negative predictive value of 80%. In summary, the available evidence is currently insufficient to determine the role of this variant in disease. Therefore, it has been classified as a Variant of Uncertain Significance.